The following is an entry in ClinVar:

NM_201384.3(PLEC):c.13240C>T (p.Arg4414Cys)

Gene: PLEC (plectin; minus strand). Cytogenetic location: 8q24.3.
Variant type: single nucleotide variant.
Coding change: c.13240C>T on transcript NM_201384.3 (MANE Select); coding-DNA position 13240, C replaced by T.
Protein change: p.Arg4414Cys; replaces arginine 4414 with cysteine.
Molecular consequence: missense variant.
Genome position (GRCh38, 1-based): chr8:143,916,581, G>A on the plus strand (C>T on the coding strand, the complement: PLEC is on the minus strand). VCF-style: chr8-143916581-G-A. GRCh37 (hg19) VCF-style: chr8-144990749-G-A.
Other names: p.Arg4441Cys; c.13321C>T, p.Arg4441Cys (NM_000445.5); c.13198C>T, p.Arg4400Cys (NM_201378.4); c.13174C>T, p.Arg4392Cys (NM_201379.3); c.13651C>T, p.Arg4551Cys (NM_201380.4); c.13144C>T, p.Arg4382Cys (NM_201381.3); c.13240C>T, p.Arg4414Cys (NM_201382.4); c.13252C>T, p.Arg4418Cys (NM_201383.3); short protein forms R4414C, R4441C, R4551C, R4392C, R4382C, R4418C, R4400C.
Identifiers: ClinVar variation 568047 (VCV000568047.16), dbSNP rs200447944, ClinGen allele CA4923874.
Genomic context (GRCh38, chr8:143,916,581, plus strand): 5'-ACTTGGAGTAGGCGCCCACGTCACGCAGCTTCTGTGCGGTGCGGGCGTCCACCGTGCCGC[G>A]CTGCAGGGCCTCGTCCAGGGGCACGCGGCCCGGCGTGTCGGGCTCGATCAAGCCGCCGGT-3'
Protein context (NP_958786.1, residues 4404-4424): GRVPLDEALQ[Arg4414Cys]GTVDARTAQK

ClinVar aggregate classification (germline): Conflicting classifications of pathogenicity. Review status: criteria provided, conflicting classifications (1 of 4 stars). 6 submissions from 6 submitters: Uncertain significance (5); Likely benign (1). Last evaluated 2026-08-31.

Conditions:
PLEC-related disorder. Also called: PLEC-related disorders; PLEC-related condition.
Epidermolysis bullosa simplex 5C, with pyloric atresia (EBS5C). Also called: PLEC-Related Epidermolysis Bullosa with Pyloric Atresia; PLEC1-Related Epidermolysis Bullosa with Pyloric Atresia; Epidermolysis bullosa simplex with pyloric atresia. Identifiers: Orphanet 158684, MedGen C2677349, MONDO:0012807, OMIM 612138.
Epidermolysis bullosa simplex, Ogna type (EBS5A). Also called: Pidermolysis bullosa simplex 5A, Ogna type; EPIDERMOLYSIS BULLOSA SIMPLEX 5A, OGNA TYPE. Identifiers: Orphanet 79401, MedGen C0432317, MONDO:0007555, OMIM 131950.
Epidermolysis bullosa simplex 5B, with muscular dystrophy (EBS5B). Also called: Epidermolysis bullosa simplex with muscular dystrophy; EPIDERMOLYSIS BULLOSA SIMPLEX AND LIMB-GIRDLE MUSCULAR DYSTROPHY. Identifiers: Orphanet 257, MedGen C2931072, MONDO:0009181, OMIM 226670.
Epidermolysis bullosa simplex with nail dystrophy (EBS5D). Identifiers: MedGen C4225309, MONDO:0014661, OMIM 616487.
Autosomal recessive limb-girdle muscular dystrophy type 2Q (LGMDR17). Also called: MUSCULAR DYSTROPHY, LIMB-GIRDLE, AUTOSOMAL RECESSIVE 17. Identifiers: Orphanet 254361, MedGen C3150989, MONDO:0013390, OMIM 613723.

Allele frequency attached by ClinVar (database versions not stated): gnomAD exomes 0.00007 and 0.00020; gnomAD 0.00009 and 0.00010; ExAC 0.00014; TOPMed 0.00022; 1000 Genomes Project 0.00040; 1000 Genomes Project 30x 0.00047.
gnomAD v4.1: 121 of 1,611,400 alleles (0.0075%); highest among the groups gnomAD compares: Admixed American, 0.087%; no homozygotes.

Submissions (6):

PreventionGenetics, part of Exact Sciences
Classification: Uncertain significance for PLEC-related condition. Last evaluated: 2026-08-31. Review status: criteria provided, single submitter. Criteria: ACMG Guidelines, 2015. Collection method: clinical testing. Allele origin: germline.
Comment: The PLEC c.13321C>T variant is predicted to result in the amino acid substitution p.Arg4441Cys. To our knowledge, this variant has not been reported in the literature. This variant is reported in 0.10% of alleles in individuals of Latino descent in gnomAD. Although we suspect that this variant may be benign, at this time, the clinical significance of this variant is uncertain due to the absence of conclusive functional and genetic evidence.

Labcorp Genetics (formerly Invitae), Labcorp
Classification: Uncertain significance for Autosomal recessive limb-girdle muscular dystrophy type 2Q; Epidermolysis bullosa simplex, Ogna type; Epidermolysis bullosa simplex with nail dystrophy; Epidermolysis bullosa simplex 5C, with pyloric atresia; Epidermolysis bullosa simplex 5B, with muscular dystrophy. Last evaluated: 2026-01-07. Review status: criteria provided, single submitter. Criteria: Invitae Variant Classification Sherloc (09022015). Collection method: clinical testing. Allele origin: germline.
Comment: This sequence change replaces arginine, which is basic and polar, with cysteine, which is neutral and slightly polar, at codon 4441 of the PLEC protein (p.Arg4441Cys). This variant is present in population databases (rs200447944, gnomAD 0.1%). This variant has not been reported in the literature in individuals affected with PLEC-related conditions. ClinVar contains an entry for this variant (Variation ID: 568047). Invitae Evidence Modeling of protein sequence and biophysical properties (such as structural, functional, and spatial information, amino acid conservation, physicochemical variation, residue mobility, and thermodynamic stability) indicates that this missense variant is not expected to disrupt PLEC protein function with a negative predictive value of 80%. In summary, the available evidence is currently insufficient to determine the role of this variant in disease. Therefore, it has been classified as a Variant of Uncertain Significance.

Mayo Clinic Laboratories, Mayo Clinic
Classification: Uncertain significance. Last evaluated: 2025-10-22. Review status: criteria provided, single submitter. Criteria: ACMG Guidelines, 2015. Collection method: clinical testing. Allele origin: germline. Observed: 2 variant alleles.

Athena Diagnostics
Classification: Uncertain significance. Last evaluated: 2025-09-26. Review status: criteria provided, single submitter. Criteria: Athena Diagnostics Criteria. Collection method: clinical testing. Allele origin: unknown.
Comment: Available data are insufficient to determine the clinical significance of the variant at this time. The frequency of this variant in the general population is higher than would generally be expected for pathogenic variants in this gene. Polyphen and MutationTaster yielded discordant predictions regarding whether this amino acid change is damaging to the protein.

Revvity Omics, Revvity
Classification: Uncertain significance. Last evaluated: 2024-06-03. Review status: criteria provided, single submitter. Criteria: ACMG Guidelines, 2015. Collection method: clinical testing. Allele origin: germline.

GeneDx
Classification: Likely benign. Last evaluated: 2022-07-11. Review status: criteria provided, single submitter. Criteria: GeneDx Variant Classification Process June 2021. Collection method: clinical testing. Allele origin: germline. Affected: yes.
Comment: See Variant Classification Assertion Criteria.

Literature cited by the submitters: PubMed 26522830 (cited by Athena Diagnostics).